The following is an entry in ClinVar:

NM_001113378.2(FANCI):c.1748T>G (p.Phe583Cys)

Gene: FANCI (FA complementation group I; plus strand). Cytogenetic location: 15q26.1.
Variant type: single nucleotide variant.
Coding change: c.1748T>G on transcript NM_001113378.2 (MANE Select); coding-DNA position 1748, T replaced by G.
Protein change: p.Phe583Cys; replaces phenylalanine 583 with cysteine.
Molecular consequence: missense variant.
Genome position (GRCh38, 1-based): chr15:89,285,145, T>G. VCF-style: chr15-89285145-T-G. GRCh37 (hg19) VCF-style: chr15-89828376-T-G.
Other names: c.1469T>G, p.Phe490Cys (NM_001376910.1); c.1748T>G, p.Phe583Cys (NM_001376911.1, NM_018193.3); short protein forms F490C, F583C.
Identifiers: ClinVar variation 4885864 (VCV004885864.2).

ClinVar aggregate classification (germline): Uncertain significance (1 of 4 stars; one submission).

gnomAD v4.1: 1 of 1,614,170 alleles (0.000062%); no homozygotes.

Submission:

Dasa
Classification: Uncertain significance. Last evaluated: 2025-08-11. Review status: criteria provided, single submitter. Criteria: DASA Assertion Criteria. Collection method: clinical testing. Allele origin: germline.
Comment: NM_001113378.2(FANCI):c.1748T>G (p.Phe583Cys) is a missense variant that results in the substitution of phenylalanine with cysteine. This variant is rare in population databases. The currently available literature and clinical evidence are not sufficient to establish a definitive association between this variant and the reported condition. Therefore, this variant is classified as a variant of uncertain significance.